The following is an entry in ClinVar:

ClinVar aggregate classification (germline): Likely pathogenic (1 of 4 stars; one submission).

Allele frequency attached by ClinVar (database versions not stated): gnomAD exomes below 0.00001.
gnomAD v4.1: 1 of 1,611,496 alleles (0.000062%); highest among the groups gnomAD compares: Non-Finnish European, 0.000085%; no homozygotes.

Submission:

GeneDx
Classification: Likely pathogenic. Last evaluated: 2023-02-13. Review status: criteria provided, single submitter. Criteria: GeneDx Variant Classification Process June 2021. Collection method: clinical testing. Allele origin: germline. Affected: yes.
Comment: Not observed at significant frequency in large population cohorts (gnomAD); In silico analysis supports that this missense variant has a deleterious effect on protein structure/function; Has not been previously published as pathogenic or benign to our knowledge

NM_003590.5(CUL3):c.185A>G (p.Tyr62Cys)

Gene: CUL3 (cullin 3; minus strand). Cytogenetic location: 2q36.2.
Variant type: single nucleotide variant.
Coding change: c.185A>G on transcript NM_003590.5 (MANE Select); coding-DNA position 185, A replaced by G.
Protein change: p.Tyr62Cys; replaces tyrosine 62 with cysteine.
Molecular consequence: missense variant. On other transcripts: intron variant (1).
Genome position (GRCh38, 1-based): chr2:224,557,738, T>C on the plus strand (A>G on the coding strand, the complement: CUL3 is on the minus strand). VCF-style: chr2-224557738-T-C. GRCh37 (hg19) VCF-style: chr2-225422455-T-C.
Other names: c.203A>G, p.Tyr68Cys (NM_001257198.2); c.67-22097A>G (NM_001257197.2); short protein forms Y62C, Y68C.
Identifiers: ClinVar variation 2430606 (VCV002430606.1), dbSNP rs2106304517, ClinGen allele CA351130771.